The following is an entry in ClinVar:

NM_147686.4(TRAF3IP2):c.233G>A (p.Arg78Gln)

Genes: TRAF3IP2 (TRAF3 interacting protein 2; minus strand), TRAF3IP2-AS1 (TRAF3IP2 antisense RNA 1; plus strand), LOC114803478 (TRAF3IP2 eExon liver enhancer; plus strand). Cytogenetic location: 6q21.
Variant type: single nucleotide variant.
Coding change: c.233G>A on transcript NM_147686.4 (MANE Select); coding-DNA position 233, G replaced by A.
Protein change: p.Arg78Gln; replaces arginine 78 with glutamine.
Molecular consequence: missense variant.
Genome position (GRCh38, 1-based): chr6:111,591,854, C>T on the plus strand (G>A on the coding strand, the complement: TRAF3IP2 is on the minus strand). VCF-style: chr6-111591854-C-T. GRCh37 (hg19) VCF-style: chr6-111913057-C-T.
Other names: c.233G>A, p.Arg78Gln (NM_001164281.3); c.260G>A, p.Arg87Gln (NM_147200.3); short protein forms R78Q, R87Q.
Identifiers: ClinVar variation 474040 (VCV000474040.8), dbSNP rs973361796, ClinGen allele CA145288100.

ClinVar aggregate classification (germline): Uncertain significance (1 of 4 stars; one submission).

Conditions:
Candidiasis, familial, 8 (CANDF8). Identifiers: Orphanet 1334, MedGen C3714992, MONDO:0014230, OMIM 615527.

Allele frequency attached by ClinVar (database versions not stated): gnomAD 0.00002; gnomAD exomes 0.00002; TOPMed 0.00002.
gnomAD v4.1: 27 of 1,613,962 alleles (0.0017%); highest among the groups gnomAD compares: Admixed American, 0.012%; no homozygotes.

Submission:

Labcorp Genetics (formerly Invitae), Labcorp
Classification: Uncertain significance for Candidiasis, familial, 8. Last evaluated: 2022-08-23. Review status: criteria provided, single submitter. Criteria: Invitae Variant Classification Sherloc (09022015). Collection method: clinical testing. Allele origin: germline.
Comment: This sequence change replaces arginine, which is basic and polar, with glutamine, which is neutral and polar, at codon 78 of the TRAF3IP2 protein (p.Arg78Gln). This variant is present in population databases (no rsID available, gnomAD 0.009%). This variant has not been reported in the literature in individuals affected with TRAF3IP2-related conditions. ClinVar contains an entry for this variant (Variation ID: 474040). Algorithms developed to predict the effect of missense changes on protein structure and function output the following: SIFT: "Tolerated"; PolyPhen-2: "Benign"; Align-GVGD: "Class C0". The glutamine amino acid residue is found in multiple mammalian species, which suggests that this missense change does not adversely affect protein function. Algorithms developed to predict the effect of sequence changes on RNA splicing suggest that this variant may create or strengthen a splice site. In summary, the available evidence is currently insufficient to determine the role of this variant in disease. Therefore, it has been classified as a Variant of Uncertain Significance.